The following is an entry in ClinVar:

NM_001709.5(BDNF):c.546C>T (p.Tyr182=)

Genes: BDNF-AS (BDNF antisense RNA; plus strand), BDNF (brain derived neurotrophic factor; minus strand). Cytogenetic location: 11p14.1.
Variant type: single nucleotide variant.
Coding change: c.546C>T on transcript NM_001709.5 (MANE Select); coding-DNA position 546, C replaced by T.
Protein change: p.Tyr182=; no amino-acid change (tyrosine 182 retained).
Molecular consequence: synonymous variant.
Genome position (GRCh38, 1-based): chr11:27,658,019, G>A on the plus strand (C>T on the coding strand, the complement: BDNF is on the minus strand). VCF-style: chr11-27658019-G-A. GRCh37 (hg19) VCF-style: chr11-27679566-G-A.
Other names: c.792C>T (NM_001143810.1); c.546C>T, p.Tyr182= (NM_001143805.1, NM_001143806.1, NM_001143807.2 and 9 more transcripts); c.633C>T, p.Tyr211= (NM_001143809.2); c.792C>T, p.Tyr264= (NM_001143810.2); c.570C>T, p.Tyr190= (NM_170731.5); c.591C>T, p.Tyr197= (NM_170734.4).
Identifiers: ClinVar variation 712726 (VCV000712726.10), dbSNP rs74975314, ClinGen allele CA5929078.

ClinVar aggregate classification (germline): Benign. Review status: criteria provided, single submitter (1 of 4 stars). 2 submissions from 2 submitters: Benign (1). 1 of the submissions does not count toward it. Last evaluated 2024-04-12.

Conditions:
BDNF-related disorder. Also called: BDNF-related condition.

Allele frequency attached by ClinVar (database versions not stated): ExAC 0.00030; gnomAD exomes 0.00010 and 0.00043; gnomAD 0.00016; TOPMed 0.00024.
gnomAD v4.1: 181 of 1,614,104 alleles (0.011%); highest among the groups gnomAD compares: Admixed American, 0.21%; no homozygotes.

Submissions (2):

Labcorp Genetics (formerly Invitae), Labcorp
Classification: Benign. Last evaluated: 2024-04-12. Review status: criteria provided, single submitter. Criteria: Invitae Variant Classification Sherloc (09022015). Collection method: clinical testing. Allele origin: germline.

PreventionGenetics, part of Exact Sciences
Classification: Likely benign for BDNF-related condition. Last evaluated: 2020-07-30. Review status: no assertion criteria provided. Collection method: clinical testing. Allele origin: germline. Not counted in ClinVar's aggregate classification.
Comment: This variant is classified as likely benign based on ACMG/AMP sequence variant interpretation guidelines (Richards et al. 2015 PMID: 25741868, with internal and published modifications).